The following is an entry in ClinVar:

ClinVar aggregate classification (germline): Uncertain significance (1 of 4 stars; one submission).

Conditions:
Familial focal epilepsy with variable foci (FPEVF). Identifiers: Orphanet 98820, MedGen C1858477, MONDO:0020310.

gnomAD v4.1: 4 of 1,612,940 alleles (0.00025%); highest among the groups gnomAD compares: Non-Finnish European, 0.00025%; no homozygotes.

Submission:

Labcorp Genetics (formerly Invitae), Labcorp
Classification: Uncertain significance for Familial focal epilepsy with variable foci. Last evaluated: 2024-08-11. Review status: criteria provided, single submitter. Criteria: Invitae Variant Classification Sherloc (09022015). Collection method: clinical testing. Allele origin: germline.
Comment: This sequence change replaces glutamic acid, which is acidic and polar, with aspartic acid, which is acidic and polar, at codon 714 of the DEPDC5 protein (p.Glu714Asp). This variant is not present in population databases (gnomAD no frequency). This variant has not been reported in the literature in individuals affected with DEPDC5-related conditions. Experimental studies and prediction algorithms are not available or were not evaluated, and the functional significance of this variant is currently unknown. In summary, the available evidence is currently insufficient to determine the role of this variant in disease. Therefore, it has been classified as a Variant of Uncertain Significance.

NM_001242896.3(DEPDC5):c.2142G>C (p.Glu714Asp)

Gene: DEPDC5 (DEP domain containing 5, GATOR1 subcomplex subunit; plus strand). Cytogenetic location: 22q12.3.
Variant type: single nucleotide variant.
Coding change: c.2142G>C on transcript NM_001242896.3 (MANE Select); coding-DNA position 2142, G replaced by C.
Protein change: p.Glu714Asp; replaces glutamic acid 714 with aspartic acid.
Molecular consequence: missense variant. On other transcripts: non-coding transcript variant (5).
Genome position (GRCh38, 1-based): chr22:31,833,952, G>C. VCF-style: chr22-31833952-G-C. GRCh37 (hg19) VCF-style: chr22-32229938-G-C.
Other names: c.2142G>C, p.Glu714Asp (NM_001136029.4, NM_001363852.2, NM_001364318.2 and 3 more transcripts); c.1908G>C, p.Glu636Asp (NM_001242897.2, NM_001363854.2, NM_001364319.2); c.2058G>C, p.Glu686Asp (NM_001369901.1, NM_001369902.1); short protein forms E636D, E686D, E714D.
Identifiers: ClinVar variation 3622776 (VCV003622776.2).
Genomic context (GRCh38, chr22:31,833,952, plus strand): 5'-AAGCTGTTTTTATCTTTCCATAGGTATGAATCCTAGGACCCAGAATAAGGATTCTCTAGA[G>C]GACAGTGTTTCTACCTCTCCAGACCCAAGTAAGAGGGGGCAGCTGACTGGGGAAAGGGGT-3'
Protein context (NP_001229825.1, residues 704-724): NPRTQNKDSL[Glu714Asp]DSVSTSPDPI